The following is an entry in ClinVar:

ClinVar aggregate classification (germline): Uncertain significance (1 of 4 stars; one submission).

gnomAD v4.1: 4 of 1,611,078 alleles (0.00025%); highest among the groups gnomAD compares: South Asian, 0.0011%; no homozygotes.

Submission:

Labcorp Genetics (formerly Invitae), Labcorp
Classification: Uncertain significance. Last evaluated: 2022-04-06. Review status: criteria provided, single submitter. Criteria: Invitae Variant Classification Sherloc (09022015). Collection method: clinical testing. Allele origin: germline.
Comment: This sequence change replaces glycine, which is neutral and non-polar, with glutamic acid, which is acidic and polar, at codon 530 of the C7 protein (p.Gly530Glu). This variant is present in population databases (no rsID available, gnomAD 0.003%). This variant has not been reported in the literature in individuals affected with C7-related conditions. Algorithms developed to predict the effect of missense changes on protein structure and function output the following: SIFT: "Tolerated"; PolyPhen-2: "Benign"; Align-GVGD: "Class C0". The glutamic acid amino acid residue is found in multiple mammalian species, which suggests that this missense change does not adversely affect protein function. In summary, the available evidence is currently insufficient to determine the role of this variant in disease. Therefore, it has been classified as a Variant of Uncertain Significance.

NM_000587.4(C7):c.1589G>A (p.Gly530Glu)

Gene: C7 (complement C7; plus strand). Cytogenetic location: 5p13.1.
Variant type: single nucleotide variant.
Coding change: c.1589G>A on transcript NM_000587.4 (MANE Select); coding-DNA position 1589, G replaced by A.
Protein change: p.Gly530Glu; replaces glycine 530 with glutamic acid.
Molecular consequence: missense variant.
Genome position (GRCh38, 1-based): chr5:40,959,548, G>A. VCF-style: chr5-40959548-G-A. GRCh37 (hg19) VCF-style: chr5-40959650-G-A.
Other names: short protein forms G530E.
Identifiers: ClinVar variation 1956697 (VCV001956697.2), dbSNP rs1370769428, ClinGen allele CA359588079.